The following is an entry in ClinVar:

NM_057175.4(NAA15):c.228_232del (p.Asp76Glufs)

Gene: NAA15 (N-alpha-acetyltransferase 15, NatA auxiliary subunit; plus strand). Cytogenetic location: 4q31.1.
Variant type: Deletion.
Coding change: c.228_232del on transcript NM_057175.4; coding-DNA positions 228 to 232, 5 bases deleted (CTTGA; older notation c.228_232delCTTGA).
Protein change: p.Asp76Glufs; shifts the reading frame from aspartic acid 76.
Molecular consequence: frameshift variant (on NM_057175.5).
Genome position (GRCh38, 1-based): chr4:139,336,936-139,336,940, CTTGA deleted; deleting any 5 consecutive bases within chr4:139,336,933-139,336,940 gives the same sequence; the c. name uses the placement nearest the transcript's 3' end. VCF-style (leftmost placement, unchanged base first): chr4-139336932-ATGACT-A. GRCh37 (hg19) VCF-style: chr4-140258086-ATGACT-A.
Other names: DEL/INS, NT225; c.228_232del, p.Asp76fs (NM_057175.5); c.228_232delCTTGA (NM_057175.3); c.228_232del (NM_057175.3); short protein forms D76fs.
Identifiers: ClinVar variation 446520 (VCV000446520.24), dbSNP rs1380822792, ClinGen allele CA555034937.

ClinVar aggregate classification (germline): Pathogenic. Review status: criteria provided, multiple submitters, no conflicts (2 of 4 stars). 9 submissions from 9 submitters: Pathogenic (6). 3 of the submissions do not count toward it. Last evaluated 2025-12-29.

Conditions:
Inborn genetic diseases. Identifiers: MedGen C0950123, MeSH D030342.
Intellectual developmental disorder, autosomal dominant 50, with behavioral abnormalities. Also called: MENTAL RETARDATION, AUTOSOMAL DOMINANT 50; Intellectual disability, autosomal dominant 50. Identifiers: MedGen C4540470, MONDO:0030916, OMIM 617787.

Submissions (9):

3billion
Classification: Pathogenic for Intellectual developmental disorder, autosomal dominant 50, with behavioral abnormalities. Last evaluated: 2025-12-29. Review status: criteria provided, single submitter. Criteria: ACMG Guidelines, 2015. Collection method: clinical testing. Allele origin: germline. Affected: yes.
Comment: The variant is observed at an extremely low frequency in the gnomAD v4.1.0 dataset (total allele frequency: <0.001%). Predicted Consequence/Location: Frameshift: predicted to result in a loss or disruption of normal protein function through nonsense-mediated decay (NMD) or protein truncation. Multiple pathogenic variants are reported downstream of the variant. In silico tools predict the variant to alter splicing and produce an abnormal transcript [SpliceAI: 0.22 (spliceogenicity >=0.2, non-spliceogenicity <0.1)]. The variant has been previously reported as de novo in a similarly affected individual (PMID: 28191889). The variant has been reported at least twice as pathogenic with clinical assertions and evidence for the classification (ClinVar ID: VCV000446520 /PMID: 28191889 /3billion dataset). Therefore, this variant is classified as Pathogenic according to the recommendation of ACMG/AMP guideline.

Ambry Genetics
Classification: Pathogenic for Inborn genetic diseases. Last evaluated: 2025-09-05. Review status: criteria provided, single submitter. Criteria: Ambry Variant Classification Scheme 2023. Collection method: clinical testing. Allele origin: germline.
Comment: The c.228_232delCTTGA (p.D76Efs*20) alteration, located in exon 3 (coding exon 3) of the NAA15 gene, consists of a deletion of 5 nucleotides from position 228 to 232, causing a translational frameshift with a predicted alternate stop codon after 20 amino acids. This alteration is expected to result in loss of function by premature protein truncation or nonsense-mediated mRNA decay. Based on data from gnomAD, this allele has an overall frequency of 0.003% (1/31388) total alleles studied. The highest observed frequency was 0.007% (1/15426) of European (non-Finnish) alleles. This variant was reported in individual(s) with features consistent with NAA15-related neurodevelopmental disorder; in at least one individual, it was determined to be de novo (Cheng, 2018; Laurie, 2025). Based on the available evidence, this alteration is classified as pathogenic.

Labcorp Genetics (formerly Invitae), Labcorp
Classification: Pathogenic. Last evaluated: 2025-06-22. Review status: criteria provided, single submitter. Criteria: Invitae Variant Classification Sherloc (09022015). Collection method: clinical testing. Allele origin: germline.
Comment: This sequence change creates a premature translational stop signal (p.Asp76Glufs*20) in the NAA15 gene. It is expected to result in an absent or disrupted protein product. Loss-of-function variants in NAA15 are known to be pathogenic (PMID: 28191889, 29656860). This variant is present in population databases (no rsID available, gnomAD 0.007%). This premature translational stop signal has been observed in individual(s) with autism spectrum disorder (PMID: 28191889). ClinVar contains an entry for this variant (Variation ID: 446520). For these reasons, this variant has been classified as Pathogenic.

GeneDx
Classification: Pathogenic. Last evaluated: 2023-11-09. Review status: criteria provided, single submitter. Criteria: GeneDx Variant Classification Process June 2021. Collection method: clinical testing. Allele origin: germline. Affected: yes.
Comment: Frameshift variant predicted to result in protein truncation or nonsense mediated decay in a gene for which loss-of-function is a known mechanism of disease; Not observed at significant frequency in large population cohorts (gnomAD); This variant is associated with the following publications: (PMID: 28191889, 33004838, 35710456, 29656860)

Greenwood Genetic Center Diagnostic Laboratories, Greenwood Genetic Center
Classification: Pathogenic for Intellectual developmental disorder, autosomal dominant 50, with behavioral abnormalities. Last evaluated: 2022-06-08. Review status: criteria provided, single submitter. Criteria: ACMG Guidelines, 2015. Collection method: clinical testing. Allele origin: germline. Affected: yes.
Comment: PVS1, PS2, PM2

HudsonAlpha Institute for Biotechnology
Classification: Pathogenic for Intellectual developmental disorder, autosomal dominant 50, with behavioral abnormalities. Last evaluated: 2018-06-26. Review status: criteria provided, single submitter. Criteria: ACMG Guidelines, 2015. Collection method: research. Allele origin: maternal. Affected: yes. Observed: 1 variant allele. Study: AGHI-WGS-HudsonAlpha.

Solve-RD Consortium
Classification: Likely pathogenic for Intellectual developmental disorder, autosomal dominant 50, with behavioral abnormalities. Last evaluated: 2022-06-01. Review status: no assertion criteria provided. Collection method: provider interpretation. Allele origin: inherited. Affected: yes. Not counted in ClinVar's aggregate classification.
Comment: Variant confirmed as disease-causing by referring clinical team

Variant identified during reanalysis of unsolved cases by the Solve-RD project. The Solve-RD project has received funding from the European Union’s Horizon 2020 research and innovation programme under grant agreement No 779257.

OMIM
Classification: Pathogenic for INTELLECTUAL DEVELOPMENTAL DISORDER, AUTOSOMAL DOMINANT 50, WITH BEHAVIORAL ABNORMALITIES. Last evaluated: 2021-07-07. Review status: no assertion criteria provided. Collection method: literature only. Allele origin: germline. Not counted in ClinVar's aggregate classification.

Joint Genome Diagnostic Labs from Nijmegen and Maastricht, Radboudumc and MUMC+
Classification: Likely pathogenic. Review status: no assertion criteria provided. Collection method: clinical testing. Allele origin: germline. Affected: yes. Not counted in ClinVar's aggregate classification.

Literature cited by the submitters: PubMed 28191889 (cited by 3 submitters); PubMed 29656860 (cited by Ambry Genetics and Labcorp Genetics (formerly Invitae), Labcorp); PubMed 39825153 (cited by Ambry Genetics and Solve-RD Consortium).